The following is an entry in ClinVar:

NM_001391957.1(FHAD1):c.1182A>G (p.Leu394=)

Gene: FHAD1 (forkhead associated phosphopeptide binding domain 1; plus strand). Cytogenetic location: 1p36.21.
Variant type: single nucleotide variant.
Coding change: c.1182A>G on transcript NM_001391957.1 (MANE Select); coding-DNA position 1182, A replaced by G.
Protein change: p.Leu394=; no amino-acid change (leucine 394 retained).
Molecular consequence: synonymous variant.
Genome position (GRCh38, 1-based): chr1:15,316,389, A>G. VCF-style: chr1-15316389-A-G. GRCh37 (hg19) VCF-style: chr1-15642885-A-G.
Other names: c.1182A>G, p.Leu394= (NM_052929.2).
Identifiers: ClinVar variation 3025661 (VCV003025661.22), dbSNP rs760661446, ClinGen allele CA612419.

ClinVar aggregate classification (germline): Likely benign (1 of 4 stars; one submission).

Allele frequency attached by ClinVar (database versions not stated): gnomAD exomes 0.00001; gnomAD 0.00002; TOPMed 0.00002; ExAC 0.00005.
gnomAD v4.1: 17 of 1,551,494 alleles (0.0011%); highest among the groups gnomAD compares: Admixed American, 0.0078%; no homozygotes.

Submission:

CeGaT Center for Human Genetics Tuebingen
Classification: Likely benign. Last evaluated: 2024-01-01. Review status: criteria provided, single submitter. Criteria: CeGaT Center For Human Genetics Tuebingen Variant Classification Criteria Version 2. Collection method: clinical testing. Allele origin: germline. Affected: yes. Observed: 1 variant allele.
Comment: FHAD1: BP4, BP7